The following is an entry in ClinVar:

NM_000079.4(CHRNA1):c.70G>A (p.Glu24Lys)

Gene: CHRNA1 (cholinergic receptor nicotinic alpha 1 subunit; minus strand). Cytogenetic location: 2q31.1.
Variant type: single nucleotide variant.
Coding change: c.70G>A on transcript NM_000079.4 (MANE Select); coding-DNA position 70, G replaced by A.
Protein change: p.Glu24Lys; replaces glutamic acid 24 with lysine.
Molecular consequence: missense variant.
Genome position (GRCh38, 1-based): chr2:174,759,607, C>T on the plus strand (G>A on the coding strand, the complement: CHRNA1 is on the minus strand). VCF-style: chr2-174759607-C-T. GRCh37 (hg19) VCF-style: chr2-175624335-C-T.
Other names: c.70G>A, p.Glu24Lys (NM_001039523.3); short protein forms E24K.
Identifiers: ClinVar variation 1720970 (VCV001720970.5), dbSNP rs2468903039, ClinGen allele CA349344690.

ClinVar aggregate classification (germline): Uncertain significance (1 of 4 stars; one submission).

Conditions:
Lethal multiple pterygium syndrome (LMPS). Identifiers: Orphanet 33108, MedGen C1854678, MONDO:0009668, OMIM 253290.

Submission:

Labcorp Genetics (formerly Invitae), Labcorp
Classification: Uncertain significance for Lethal multiple pterygium syndrome. Last evaluated: 2022-10-04. Review status: criteria provided, single submitter. Criteria: Invitae Variant Classification Sherloc (09022015). Collection method: clinical testing. Allele origin: germline.
Comment: This sequence change replaces glutamic acid, which is acidic and polar, with lysine, which is basic and polar, at codon 24 of the CHRNA1 protein (p.Glu24Lys). This variant is not present in population databases (gnomAD no frequency). This variant has not been reported in the literature in individuals affected with CHRNA1-related conditions. Advanced modeling of protein sequence and biophysical properties (such as structural, functional, and spatial information, amino acid conservation, physicochemical variation, residue mobility, and thermodynamic stability) performed at Invitae indicates that this missense variant is not expected to disrupt CHRNA1 protein function. In summary, the available evidence is currently insufficient to determine the role of this variant in disease. Therefore, it has been classified as a Variant of Uncertain Significance.